The following is an entry in ClinVar:

ClinVar aggregate classification (germline): Pathogenic (1 of 4 stars; one submission).

Submission:

Labcorp Genetics (formerly Invitae), Labcorp
Classification: Pathogenic. Last evaluated: 2023-02-10. Review status: criteria provided, single submitter. Criteria: Invitae Variant Classification Sherloc (09022015). Collection method: clinical testing. Allele origin: germline.
Comment: This variant has not been reported in the literature in individuals affected with MSH3-related conditions. This variant is not present in population databases (gnomAD no frequency). This sequence change creates a premature translational stop signal (p.Tyr1028*) in the MSH3 gene. It is expected to result in an absent or disrupted protein product. Loss-of-function variants in MSH3 are known to be pathogenic (PMID: 27476653). For these reasons, this variant has been classified as Pathogenic.

Literature cited by the submitters: PubMed 27476653.

NM_002439.5(MSH3):c.3084C>G (p.Tyr1028Ter)

Gene: MSH3 (mutS homolog 3; plus strand). Cytogenetic location: 5q14.1.
Variant type: single nucleotide variant.
Coding change: c.3084C>G on transcript NM_002439.5 (MANE Select); coding-DNA position 3084, C replaced by G.
Protein change: p.Tyr1028Ter; replaces tyrosine 1028 with a stop codon.
Molecular consequence: nonsense.
Genome position (GRCh38, 1-based): chr5:80,864,896, C>G. VCF-style: chr5-80864896-C-G. GRCh37 (hg19) VCF-style: chr5-80160715-C-G.
Other names: short protein forms Y1028*.
Identifiers: ClinVar variation 2836011 (VCV002836011.3), dbSNP rs1455214605, ClinGen allele CA360346359.